The following is an entry in ClinVar:

ClinVar aggregate classification (germline): Uncertain significance. Review status: criteria provided, multiple submitters, no conflicts (2 of 4 stars). 2 submissions from 2 submitters: Uncertain significance (2). Last evaluated 2025-12-04.

Allele frequency attached by ClinVar (database versions not stated): gnomAD 0.00024 and 0.00022; gnomAD exomes 0.00053 and 0.00022; ExAC 0.00017; TOPMed 0.00020; ESP Exome Variant Server 0.00048.

Submissions (2):

Ambry Genetics
Classification: Uncertain significance. Last evaluated: 2025-12-04. Review status: criteria provided, single submitter. Criteria: Ambry Variant Classification Scheme 2023. Collection method: clinical testing. Allele origin: germline.

Labcorp Genetics (formerly Invitae), Labcorp
Classification: Uncertain significance. Last evaluated: 2023-08-10. Review status: criteria provided, single submitter. Criteria: Invitae Variant Classification Sherloc (09022015). Collection method: clinical testing. Allele origin: germline.
Comment: In summary, the available evidence is currently insufficient to determine the role of this variant in disease. Therefore, it has been classified as a Variant of Uncertain Significance. An algorithm developed to predict the effect of missense changes on protein structure and function (PolyPhen-2) suggests that this variant is likely to be disruptive. ClinVar contains an entry for this variant (Variation ID: 1682343). This variant has not been reported in the literature in individuals affected with FUK-related conditions. This variant is present in population databases (rs200603725, gnomAD 0.04%). This sequence change replaces alanine, which is neutral and non-polar, with threonine, which is neutral and polar, at codon 63 of the FUK protein (p.Ala63Thr).

NM_145059.3(FCSK):c.187G>A (p.Ala63Thr)

Gene: FCSK (fucose kinase; plus strand). Cytogenetic location: 16q22.1.
Variant type: single nucleotide variant.
Coding change: c.187G>A on transcript NM_145059.3 (MANE Select); coding-DNA position 187, G replaced by A.
Protein change: p.Ala63Thr; replaces alanine 63 with threonine.
Molecular consequence: missense variant.
Genome position (GRCh38, 1-based): chr16:70,463,727, G>A. VCF-style: chr16-70463727-G-A. GRCh37 (hg19) VCF-style: chr16-70497630-G-A.
Other names: c.187G>A (NM_145059.2); short protein forms A63T.
Identifiers: ClinVar variation 1682343 (VCV001682343.8), dbSNP rs200603725, ClinGen allele CA8142759.